The following is an entry in ClinVar:

NM_170601.5(SIAE):c.1469_1472dup (p.Cys492fs)

Gene: SIAE (sialic acid acetylesterase; minus strand). Cytogenetic location: 11q24.2.
Variant type: Duplication.
Coding change: c.1469_1472dup on transcript NM_170601.5 (MANE Select); coding-DNA positions 1469 to 1472, 4 bases duplicated (AGCA; older notation c.1469_1472dupAGCA).
Protein change: p.Cys492fs; shifts the reading frame from cysteine 492.
Molecular consequence: frameshift variant.
Genome position (GRCh38, 1-based): chr11:124,637,051-124,637,054, TGCT duplicated on the plus strand (AGCA on the coding strand, the reverse complement: SIAE is on the minus strand); duplicating any 4 consecutive bases within chr11:124,637,051-124,637,055 gives the same sequence; the c. name uses the placement nearest the transcript's 3' end. VCF-style (leftmost placement, unchanged base first): chr11-124637050-C-CTGCT. GRCh37 (hg19) VCF-style: chr11-124506946-C-CTGCT.
Other names: c.1364_1367dup, p.Cys457fs (NM_001199922.2); short protein forms C457fs, C492fs.
Identifiers: ClinVar variation 4742412 (VCV004742412.1).

ClinVar aggregate classification (germline): Uncertain significance (1 of 4 stars; one submission).

Submission:

Labcorp Genetics (formerly Invitae), Labcorp
Classification: Uncertain significance. Last evaluated: 2025-07-27. Review status: criteria provided, single submitter. Criteria: Invitae Variant Classification Sherloc (09022015). Collection method: clinical testing. Allele origin: germline.
Comment: This sequence change creates a premature translational stop signal (p.Cys492Alafs*9) in the SIAE gene. While this is not anticipated to result in nonsense mediated decay, it is expected to disrupt the last 32 amino acid(s) of the SIAE protein. This variant is not present in population databases (gnomAD no frequency). This variant has not been reported in the literature in individuals affected with SIAE-related conditions. Experimental studies and prediction algorithms are not available or were not evaluated, and the functional significance of this variant is currently unknown. In summary, the available evidence is currently insufficient to determine the role of this variant in disease. Therefore, it has been classified as a Variant of Uncertain Significance.